The following is an entry in ClinVar:

NM_207391.3(RGS9BP):c.540G>A (p.Ala180=)

Gene: RGS9BP (regulator of G protein signaling 9 binding protein; plus strand). Cytogenetic location: 19q13.11.
Variant type: single nucleotide variant.
Coding change: c.540G>A on transcript NM_207391.3 (MANE Select); coding-DNA position 540, G replaced by A.
Protein change: p.Ala180=; no amino-acid change (alanine 180 retained).
Molecular consequence: synonymous variant.
Genome position (GRCh38, 1-based): chr19:32,676,803, G>A. VCF-style: chr19-32676803-G-A. GRCh37 (hg19) VCF-style: chr19-33167709-G-A.
Other names: c.540G>A (NM_207391.2).
Identifiers: ClinVar variation 1093817 (VCV001093817.12), dbSNP rs762275547, ClinGen allele CA9357547.

ClinVar aggregate classification (germline): Likely benign. Review status: criteria provided, multiple submitters, no conflicts (2 of 4 stars). 3 submissions from 3 submitters: Likely benign (2). 1 of the submissions does not count toward it. Last evaluated 2026-01-26.

Conditions:
RGS9BP-related disorder. Also called: RGS9BP-related condition.

Allele frequency attached by ClinVar (database versions not stated): gnomAD 0.00003 and 0.00004; gnomAD exomes 0.00005 and 0.00008; TOPMed 0.00006; ExAC 0.00021.
gnomAD v4.1: 72 of 1,584,772 alleles (0.0045%); highest among the groups gnomAD compares: Middle Eastern, 0.05%; no homozygotes.

Submissions (3):

Labcorp Genetics (formerly Invitae), Labcorp
Classification: Likely benign. Last evaluated: 2026-01-26. Review status: criteria provided, single submitter. Criteria: Invitae Variant Classification Sherloc (09022015). Collection method: clinical testing. Allele origin: germline.

Blueprint Genetics
Classification: Likely benign. Last evaluated: 2024-11-25. Review status: criteria provided, single submitter. Criteria: ACMG Guidelines, 2015. Collection method: clinical testing. Allele origin: germline.

PreventionGenetics, part of Exact Sciences
Classification: Likely benign for RGS9BP-related condition. Last evaluated: 2019-07-04. Review status: no assertion criteria provided. Collection method: clinical testing. Allele origin: germline. Not counted in ClinVar's aggregate classification.
Comment: This variant is classified as likely benign based on ACMG/AMP sequence variant interpretation guidelines (Richards et al. 2015 PMID: 25741868, with internal and published modifications).